The following is an entry in ClinVar:

ClinVar aggregate classification (germline): Uncertain significance (1 of 4 stars; one submission).

Submission:

GeneDx
Classification: Uncertain significance. Last evaluated: 2024-07-24. Review status: criteria provided, single submitter. Criteria: GeneDx Variant Classification Process June 2021. Collection method: clinical testing. Allele origin: germline. Affected: yes.
Comment: Not observed at significant frequency in large population cohorts (gnomAD); In silico analysis indicates that this missense variant does not alter protein structure/function; Has not been previously published as pathogenic or benign to our knowledge; This variant is associated with the following publications: (PMID: 25512093, 25609763, 26100331)

NM_001376.5(DYNC1H1):c.2666A>G (p.Asn889Ser)

Gene: DYNC1H1 (dynein cytoplasmic 1 heavy chain 1; plus strand). Cytogenetic location: 14q32.31.
Variant type: single nucleotide variant.
Coding change: c.2666A>G on transcript NM_001376.5 (MANE Select); coding-DNA position 2666, A replaced by G.
Protein change: p.Asn889Ser; replaces asparagine 889 with serine.
Molecular consequence: missense variant.
Genome position (GRCh38, 1-based): chr14:101,987,580, A>G. VCF-style: chr14-101987580-A-G. GRCh37 (hg19) VCF-style: chr14-102453917-A-G.
Other names: short protein forms N889S.
Identifiers: ClinVar variation 3600902 (VCV003600902.1).
Genomic context (GRCh38, chr14:101,987,580, plus strand): 5'-ATGACCATAAGACATTCTCGGAAATCTTGAACAGAGTCCAGAAAGCAGTGGATGACTTAA[A>G]TCTGCACTCCTATTCCAATTTGCCCATCTGGGTCAACAAGCTTGACATGGAGGTAAGGGA-3'
Protein context (NP_001367.2, residues 879-899): NRVQKAVDDL[Asn889Ser]LHSYSNLPIW